The following is an entry in ClinVar:

NM_003482.4(KMT2D):c.3684C>T (p.Gly1228=)

Genes: KMT2D (lysine methyltransferase 2D; minus strand), LOC126861520 (CDK7 strongly-dependent group 2 enhancer GRCh37_chr12:49442744-49443943; plus strand). Cytogenetic location: 12q13.12.
Variant type: single nucleotide variant.
Coding change: c.3684C>T on transcript NM_003482.4 (MANE Select); coding-DNA position 3684, C replaced by T.
Protein change: p.Gly1228=; no amino-acid change (glycine 1228 retained).
Molecular consequence: synonymous variant.
Genome position (GRCh38, 1-based): chr12:49,049,904, G>A on the plus strand (C>T on the coding strand, the complement: KMT2D is on the minus strand). VCF-style: chr12-49049904-G-A. GRCh37 (hg19) VCF-style: chr12-49443687-G-A.
Identifiers: ClinVar variation 2642962 (VCV002642962.24), dbSNP rs1937833522, ClinGen allele CA479713467.

ClinVar aggregate classification (germline): Likely benign (1 of 4 stars; one submission).

Allele frequency attached by ClinVar (database versions not stated): gnomAD exomes 0.00003.
gnomAD v4.1: 17 of 1,613,954 alleles (0.0011%); highest among the groups gnomAD compares: East Asian, 0.036%; no homozygotes.

Submission:

CeGaT Center for Human Genetics Tuebingen
Classification: Likely benign. Last evaluated: 2022-10-01. Review status: criteria provided, single submitter. Criteria: CeGaT Center For Human Genetics Tuebingen Variant Classification Criteria Version 2. Collection method: clinical testing. Allele origin: germline. Affected: yes. Observed: 1 variant allele.
Comment: KMT2D: PM2:Supporting, BP4, BP7